The following is an entry in ClinVar:

NM_001365951.3(KIF1B):c.2740T>A (p.Ser914Thr)

Genes: KIF1B (kinesin family member 1B; plus strand), LOC126805614 (BRD4-independent group 4 enhancer GRCh37_chr1:10385546-10386745; plus strand). Cytogenetic location: 1p36.22.
Variant type: single nucleotide variant.
Coding change: c.2740T>A on transcript NM_001365951.3 (MANE Select); coding-DNA position 2740, T replaced by A.
Protein change: p.Ser914Thr; replaces serine 914 with threonine.
Molecular consequence: missense variant.
Genome position (GRCh38, 1-based): chr1:10,326,175, T>A. VCF-style: chr1-10326175-T-A. GRCh37 (hg19) VCF-style: chr1-10386233-T-A.
Other names: c.2740T>A, p.Ser914Thr (NM_001365952.1); c.2602T>A, p.Ser868Thr (NM_015074.3); short protein forms S868T, S914T.
Identifiers: ClinVar variation 3534008 (VCV003534008.1).
Genomic context (GRCh38, chr1:10,326,175, plus strand): 5'-CCCATTTTCCACGGCTGTGTGAACGAGCGCCTTGCCGACCGCACACCCTCCCCCACTTTT[T>A]CCACGGCCGATTCCGACATCACTGAGCTGGCTGACGAGCAGCAAGATGAGATGGAGGATT-3'
Protein context (NP_001352880.1, residues 904-924): LADRTPSPTF[Ser914Thr]TADSDITELA

ClinVar aggregate classification (germline): Uncertain significance (1 of 4 stars; one submission).

Submission:

Ambry Genetics
Classification: Uncertain significance. Last evaluated: 2024-09-08. Review status: criteria provided, single submitter. Criteria: Ambry Variant Classification Scheme 2023. Collection method: clinical testing. Allele origin: germline.
Comment: The p.S868T variant (also known as c.2602T>A), located in coding exon 24 of the KIF1B gene, results from a T to A substitution at nucleotide position 2602. The serine at codon 868 is replaced by threonine, an amino acid with similar properties. This amino acid position is conserved. In addition, the in silico prediction for this alteration is inconclusive. Based on the available evidence, the clinical significance of this variant remains unclear.